The following is an entry in ClinVar:

ClinVar aggregate classification (germline): Uncertain significance. Review status: criteria provided, multiple submitters, no conflicts (2 of 4 stars). 3 submissions from 3 submitters: Uncertain significance (3). Last evaluated 2025-12-29.

Conditions:
Hereditary cancer-predisposing syndrome. Also called: Hereditary Cancer Syndrome; Neoplastic Syndromes, Hereditary; Hereditary neoplastic syndrome; Tumor predisposition. Identifiers: Orphanet 140162, MedGen C0027672, MeSH D009386, MONDO:0015356.
Familial cancer of breast. Also called: BREAST CANCER, FAMILIAL; Hereditary breast cancer; hereditary breast carcinoma. Identifiers: Orphanet 227535, MedGen C0346153, MONDO:0016419, OMIM 114480. Disease mechanism: loss of function.

gnomAD v4.1: 1 of 1,610,840 alleles (0.000062%); no homozygotes.

Submissions (3):

Center for Genomic Medicine, Rigshospitalet, Copenhagen University Hospital
Classification: Uncertain significance. Last evaluated: 2025-12-29. Review status: criteria provided, single submitter. Criteria: ACMG Guidelines, 2015. Collection method: clinical testing. Allele origin: germline.

Labcorp Genetics (formerly Invitae), Labcorp
Classification: Uncertain significance for Familial cancer of breast. Last evaluated: 2021-11-25. Review status: criteria provided, single submitter. Criteria: Invitae Variant Classification Sherloc (09022015). Collection method: clinical testing. Allele origin: germline.
Comment: This sequence change replaces alanine, which is neutral and non-polar, with threonine, which is neutral and polar, at codon 35 of the BARD1 protein (p.Ala35Thr). This variant is not present in population databases (gnomAD no frequency). This variant has not been reported in the literature in individuals affected with BARD1-related conditions. ClinVar contains an entry for this variant (Variation ID: 142979). Algorithms developed to predict the effect of missense changes on protein structure and function (SIFT, PolyPhen-2, Align-GVGD) all suggest that this variant is likely to be tolerated. In summary, the available evidence is currently insufficient to determine the role of this variant in disease. Therefore, it has been classified as a Variant of Uncertain Significance.

Ambry Genetics
Classification: Uncertain significance for Hereditary cancer-predisposing syndrome. Last evaluated: 2021-08-26. Review status: criteria provided, single submitter. Criteria: Ambry Variant Classification Scheme 2023. Collection method: clinical testing. Allele origin: germline.
Comment: The p.A35T variant (also known as c.103G>A), located in coding exon 1 of the BARD1 gene, results from a G to A substitution at nucleotide position 103. The alanine at codon 35 is replaced by threonine, an amino acid with similar properties. This amino acid position is well conserved in available vertebrate species. In addition, this alteration is predicted to be tolerated by in silico analysis. Since supporting evidence is limited at this time, the clinical significance of this alteration remains unclear.

NM_000465.4(BARD1):c.103G>A (p.Ala35Thr)

Gene: BARD1 (BRCA1 associated RING domain 1; minus strand). Cytogenetic location: 2q35.
Variant type: single nucleotide variant.
Coding change: c.103G>A on transcript NM_000465.4 (MANE Select); coding-DNA position 103, G replaced by A.
Protein change: p.Ala35Thr; replaces alanine 35 with threonine.
Molecular consequence: missense variant. On other transcripts: non-coding transcript variant (3).
Genome position (GRCh38, 1-based): chr2:214,809,467, C>T on the plus strand (G>A on the coding strand, the complement: BARD1 is on the minus strand). VCF-style: chr2-214809467-C-T. GRCh37 (hg19) VCF-style: chr2-215674191-C-T.
Other names: c.103G>A, p.Ala35Thr (NM_001282543.2, NM_001282545.2, NM_001282548.2 and 1 more transcripts); short protein forms A35T.
Identifiers: ClinVar variation 142979 (VCV000142979.13), dbSNP rs587782865, ClinGen allele CA169934.
Genomic context (GRCh38, chr2:214,809,467, plus strand): 5'-TTTACCAACGCGAGCAGCGCAGCAGCTTCTCCAGGCGGTCGAGCGCGGCGCGACTGTGGG[C>T]CCAGGCACCGCGACCATCCGGTTCCATGGCGGGCGCGGAACGAGGCTCGTTCCCGGAGCG-3'
Protein context (NP_000456.2, residues 25-45): AMEPDGRGAW[Ala35Thr]HSRAALDRLE